The following is an entry in ClinVar:

ClinVar aggregate classification (germline): Uncertain significance. Review status: criteria provided, multiple submitters, no conflicts (2 of 4 stars). 2 submissions from 2 submitters: Uncertain significance (2). Last evaluated 2025-06-24.

Conditions:
Nephrolithiasis/nephrocalcinosis. Identifiers: MedGen CN580796.
Familial hypocalciuric hypercalcemia (FHH). Also called: Familial benign hypercalcemia. Identifiers: Orphanet 405, MedGen C1809471, MONDO:0018458.
Autosomal dominant hypocalcemia 1 (HYPOC1). Also called: HYPOCALCEMIA, FAMILIAL. Identifiers: MedGen C3715128, MONDO:0011013, OMIM 601198.

Submissions (2):

Labcorp Genetics (formerly Invitae), Labcorp
Classification: Uncertain significance for Familial hypocalciuric hypercalcemia; Autosomal dominant hypocalcemia 1. Last evaluated: 2025-06-24. Review status: criteria provided, single submitter. Criteria: Invitae Variant Classification Sherloc (09022015). Collection method: clinical testing. Allele origin: germline.
Comment: This sequence change replaces cysteine, which is neutral and slightly polar, with serine, which is neutral and polar, at codon 739 of the CASR protein (p.Cys739Ser). This variant is not present in population databases (gnomAD no frequency). This variant has not been reported in the literature in individuals affected with CASR-related conditions. ClinVar contains an entry for this variant (Variation ID: 665094). An algorithm developed to predict the effect of missense changes on protein structure and function (PolyPhen-2) suggests that this variant is likely to be tolerated. In summary, the available evidence is currently insufficient to determine the role of this variant in disease. Therefore, it has been classified as a Variant of Uncertain Significance.

Ambry Genetics
Classification: Uncertain significance for Nephrolithiasis/nephrocalcinosis. Last evaluated: 2021-11-22. Review status: criteria provided, single submitter. Criteria: Ambry Variant Classification Scheme 2023. Collection method: clinical testing. Allele origin: germline.
Comment: The p.C739S variant (also known as c.2216G>C), located in coding exon 6 of the CASR gene, results from a G to C substitution at nucleotide position 2216. The cysteine at codon 739 is replaced by serine, an amino acid with dissimilar properties. This amino acid position is conserved. In addition, this alteration is predicted to be deleterious by in silico analysis. Since supporting evidence is limited at this time, the clinical significance of this alteration remains unclear.

NM_000388.4(CASR):c.2216G>C (p.Cys739Ser)

Gene: CASR (calcium sensing receptor; plus strand). Cytogenetic location: 3q21.1.
Variant type: single nucleotide variant.
Coding change: c.2216G>C on transcript NM_000388.4 (MANE Select); coding-DNA position 2216, G replaced by C.
Protein change: p.Cys739Ser; replaces cysteine 739 with serine.
Molecular consequence: missense variant.
Genome position (GRCh38, 1-based): chr3:122,284,170, G>C. VCF-style: chr3-122284170-G-C. GRCh37 (hg19) VCF-style: chr3-122003017-G-C.
Other names: c.2246G>C, p.Cys749Ser (NM_001178065.2); short protein forms C739S, C749S.
Identifiers: ClinVar variation 665094 (VCV000665094.11), dbSNP rs375468610, ClinGen allele CA354159070.
Genomic context (GRCh38, chr3:122,284,170, plus strand): 5'-GGGGGCTCAACCTGCAGTTCCTGCTGGTTTTCCTCTGCACCTTCATGCAGATTGTCATCT[G>C]TGTGATCTGGCTCTACACCGCGCCCCCGTCAAGCTACCGCAACCAGGAGCTGGAGGATGA-3'
Protein context (NP_000379.3, residues 729-749): FLCTFMQIVI[Cys739Ser]VIWLYTAPPS